The following is an entry in ClinVar:

ClinVar aggregate classification (germline): Likely benign. Review status: criteria provided, single submitter (1 of 4 stars). 2 submissions from 2 submitters: Likely benign (1). 1 of the submissions does not count toward it. Last evaluated 2026-01-25.

Conditions:
VDR-related disorder. Also called: VDR-related condition.

Allele frequency attached by ClinVar (database versions not stated): gnomAD exomes 0.00011 and 0.00023; ExAC 0.00037; 1000 Genomes Project 0.00060; 1000 Genomes Project 30x 0.00062; ESP Exome Variant Server 0.00077; TOPMed 0.00106; gnomAD 0.00110 and 0.00113.
gnomAD v4.1: 334 of 1,607,346 alleles (0.021%); highest among the groups gnomAD compares: African/African-American, 0.36%; 1 homozygote.

Submissions (2):

Labcorp Genetics (formerly Invitae), Labcorp
Classification: Likely benign. Last evaluated: 2026-01-25. Review status: criteria provided, single submitter. Criteria: Invitae Variant Classification Sherloc (09022015). Collection method: clinical testing. Allele origin: germline.

PreventionGenetics, part of Exact Sciences
Classification: Likely benign for VDR-related condition. Last evaluated: 2022-04-29. Review status: no assertion criteria provided. Collection method: clinical testing. Allele origin: germline. Not counted in ClinVar's aggregate classification.
Comment: This variant is classified as likely benign based on ACMG/AMP sequence variant interpretation guidelines (Richards et al. 2015 PMID: 25741868, with internal and published modifications).

NM_000376.3(VDR):c.1015G>A (p.Val339Ile)

Gene: VDR (vitamin D receptor; minus strand). Cytogenetic location: 12q13.11.
Variant type: single nucleotide variant.
Coding change: c.1015G>A on transcript NM_000376.3 (MANE Select); coding-DNA position 1015, G replaced by A.
Protein change: p.Val339Ile; replaces valine 339 with isoleucine.
Molecular consequence: missense variant.
Genome position (GRCh38, 1-based): chr12:47,846,344, C>T on the plus strand (G>A on the coding strand, the complement: VDR is on the minus strand). VCF-style: chr12-47846344-C-T. GRCh37 (hg19) VCF-style: chr12-48240127-C-T.
Other names: c.1015G>A (NM_001017535.1); c.1015G>A, p.Val339Ile (NM_001017535.2, NM_001364085.2, NM_001374661.1 and 1 more transcripts); c.1165G>A, p.Val389Ile (NM_001017536.2); short protein forms V339I, V389I.
Identifiers: ClinVar variation 1118099 (VCV001118099.11), dbSNP rs141329158, ClinGen allele CA6533802.